The following is an entry in ClinVar:

ClinVar aggregate classification (germline): Likely benign. Review status: criteria provided, multiple submitters, no conflicts (2 of 4 stars). 2 submissions from 2 submitters: Likely benign (2). Last evaluated 2025-09-19.

Conditions:
Dyskeratosis congenita. Identifiers: Orphanet 1775, MedGen C0265965, MONDO:0015780.

Submissions (2):

Mayo Clinic Laboratories, Mayo Clinic
Classification: Likely benign. Last evaluated: 2025-09-19. Review status: criteria provided, single submitter. Criteria: ACMG Guidelines, 2015. Collection method: clinical testing. Allele origin: germline. Observed: 1 variant allele.
Comment: BP4, BP7, PM2_supporting

Labcorp Genetics (formerly Invitae), Labcorp
Classification: Likely benign for Dyskeratosis congenita. Last evaluated: 2023-02-21. Review status: criteria provided, single submitter. Criteria: Invitae Variant Classification Sherloc (09022015). Collection method: clinical testing. Allele origin: germline.

NM_001363.5(DKC1):c.894G>T (p.Arg298=)

Gene: DKC1 (dyskerin pseudouridine synthase 1; plus strand). Cytogenetic location: Xq28.
Variant type: single nucleotide variant.
Coding change: c.894G>T on transcript NM_001363.5 (MANE Select); coding-DNA position 894, G replaced by T.
Protein change: p.Arg298=; no amino-acid change (arginine 298 retained).
Molecular consequence: synonymous variant. On other transcripts: non-coding transcript variant (3).
Genome position (GRCh38, 1-based): chrX:154,769,289, G>T. VCF-style: chrX-154769289-G-T. GRCh37 (hg19) VCF-style: chrX-153997564-G-T.
Other names: p.Arg298=; c.894G>T, p.Arg298= (NM_001142463.3, NM_001288747.2).
Identifiers: ClinVar variation 2738899 (VCV002738899.4), dbSNP rs2071791857, ClinGen allele CA519356178.